The following is an entry in ClinVar:

ClinVar aggregate classification (germline): Uncertain significance (1 of 4 stars; one submission).

Conditions:
Hereditary cancer-predisposing syndrome. Also called: Tumor predisposition; Neoplastic Syndromes, Hereditary; Hereditary Cancer Syndrome; Hereditary neoplastic syndrome. Identifiers: Orphanet 140162, MedGen C0027672, MeSH D009386, MONDO:0015356.

Submission:

Ambry Genetics
Classification: Uncertain significance for Hereditary cancer-predisposing syndrome. Last evaluated: 2025-01-25. Review status: criteria provided, single submitter. Criteria: Ambry Variant Classification Scheme 2023. Collection method: clinical testing. Allele origin: germline.
Comment: The p.G644A variant (also known as c.1931G>C), located in coding exon 5 of the PALB2 gene, results from a G to C substitution at nucleotide position 1931. The glycine at codon 644 is replaced by alanine, an amino acid with similar properties. This amino acid position is conserved. In addition, this alteration is predicted to be tolerated by in silico analysis. Based on the available evidence, the clinical significance of this variant remains unclear.

NM_024675.4(PALB2):c.1931G>C (p.Gly644Ala)

Gene: PALB2 (partner and localizer of BRCA2; minus strand). Cytogenetic location: 16p12.2.
Variant type: single nucleotide variant.
Coding change: c.1931G>C on transcript NM_024675.4 (MANE Select); coding-DNA position 1931, G replaced by C.
Protein change: p.Gly644Ala; replaces glycine 644 with alanine.
Molecular consequence: missense variant. On other transcripts: intron variant (1).
Genome position (GRCh38, 1-based): chr16:23,630,223, C>G on the plus strand (G>C on the coding strand, the complement: PALB2 is on the minus strand). VCF-style: chr16-23630223-C-G. GRCh37 (hg19) VCF-style: chr16-23641544-C-G.
Other names: c.1871G>C, p.Gly624Ala (NM_001407296.1); c.1931G>C, p.Gly644Ala (NM_001407297.1, NM_001407298.1, NM_001407299.1 and 3 more transcripts); c.1046G>C, p.Gly349Ala (NM_001407304.1, NM_001407305.1, NM_001407306.1 and 5 more transcripts); c.143G>C, p.Gly48Ala (NM_001407312.1, NM_001407313.1); c.49-948G>C (NM_001407314.1); short protein forms G349A, G48A, G624A, G644A.
Identifiers: ClinVar variation 3885214 (VCV003885214.1).